The following is an entry in ClinVar:

ClinVar aggregate classification (germline): Uncertain significance. Review status: criteria provided, multiple submitters, no conflicts (2 of 4 stars). 2 submissions from 2 submitters: Uncertain significance (2). Last evaluated 2025-11-06.

Conditions:
Ataxia-telangiectasia syndrome (AT). Also called: ATAXIA-TELANGIECTASIA, COMPLEMENTATION GROUP A; ATAXIA-TELANGIECTASIA, FRESNO VARIANT; Ataxia-telangiectasia; Ataxia-telangiectasia, complementation group E; LOUIS-BAR SYNDROME; Cerebello-oculocutaneous telangiectasia. Identifiers: Orphanet 100, MedGen C0004135, MONDO:0008840, OMIM 208900.

Submissions (2):

Labcorp Genetics (formerly Invitae), Labcorp
Classification: Uncertain significance for Ataxia-telangiectasia syndrome. Last evaluated: 2025-11-06. Review status: criteria provided, single submitter. Criteria: Invitae Variant Classification Sherloc (09022015). Collection method: clinical testing. Allele origin: germline.
Comment: This sequence change replaces glycine, which is neutral and non-polar, with arginine, which is basic and polar, at codon 3051 of the ATM protein (p.Gly3051Arg). This variant is not present in population databases (gnomAD no frequency). This variant has not been reported in the literature in individuals affected with ATM-related conditions. ClinVar contains an entry for this variant (Variation ID: 2875378). Invitae Evidence Modeling of protein sequence and biophysical properties (such as structural, functional, and spatial information, amino acid conservation, physicochemical variation, residue mobility, and thermodynamic stability) indicates that this missense variant is expected to disrupt ATM protein function with a positive predictive value of 95%. In summary, the available evidence is currently insufficient to determine the role of this variant in disease. Therefore, it has been classified as a Variant of Uncertain Significance.

Molecular Pathology, Peter Maccallum Cancer Centre
Classification: Uncertain significance for Ataxia-telangiectasia syndrome. Last evaluated: 2024-07-22. Review status: criteria provided, single submitter. Criteria: ACMG Guidelines, 2015. Collection method: clinical testing. Allele origin: germline. Inheritance: Autosomal recessive inheritance.

NM_000051.4(ATM):c.9151G>A (p.Gly3051Arg)

Genes: ATM (ATM serine/threonine kinase; plus strand), C11orf65 (chromosome 11 open reading frame 65; minus strand). Cytogenetic location: 11q22.3.
Variant type: single nucleotide variant.
Coding change: c.9151G>A on transcript NM_000051.4 (MANE Select); coding-DNA position 9151, G replaced by A.
Protein change: p.Gly3051Arg; replaces glycine 3051 with arginine.
Molecular consequence: missense variant. On other transcripts: intron variant (2).
Genome position (GRCh38, 1-based): chr11:108,365,488, G>A. VCF-style: chr11-108365488-G-A. GRCh37 (hg19) VCF-style: chr11-108236215-G-A.
Other names: c.9151G>A, p.Gly3051Arg (NM_001351834.2); c.640+20432C>T (NM_001330368.2); c.694+20432C>T (NM_001351110.2); short protein forms G3051R.
Identifiers: ClinVar variation 2875378 (VCV002875378.4), dbSNP rs730881332, ClinGen allele CA382532147.